The following is an entry in ClinVar:

ClinVar aggregate classification (germline): Benign. Review status: reviewed by expert panel (3 of 4 stars). 14 submissions from 13 submitters: Benign (1). 13 of the submissions do not count toward it. Last evaluated 2021-03-17.

Conditions:
RYR1-related disorder. Also called: RYR1-related disorders; RYR1-related condition. Identifiers: MedGen CN239331.
Malignant hyperthermia and exertional rhabdomyolosis. Identifiers: MedGen CN221545.
Malignant hyperthermia, susceptibility to, 1 (MHS1). Also called: Malignant hyperthermia suceptibility 1; Anesthesia related hyperthermia; Malignant hyperpyrexia; Fulminating hyperpyrexia; Pharmacogenic myopathy; RYR1-Related Malignant Hyperthermia Susceptibility. Identifiers: Orphanet 423, MedGen C2930980, MONDO:0007783, OMIM 145600.
Congenital multicore myopathy with external ophthalmoplegia (CMYO1B). Also called: Congenital myopathy 1B, autosomal recessive; Minicore myopathy; MULTICORE MYOPATHY; MULTIMINICORE DISEASE WITH EXTERNAL OPHTHALMOPLEGIA; Minicore myopathy with external ophthalmoplegia. Identifiers: Orphanet 598, Orphanet 98905, MedGen C1850674, MONDO:0009712, OMIM 255320, HP:0003789.

Allele frequency attached by ClinVar (database versions not stated): gnomAD exomes 0.00013 and 0.00031; ExAC 0.00099; 1000 Genomes Project 0.00120; gnomAD 0.00125 and 0.00137; ESP Exome Variant Server 0.00131; 1000 Genomes Project 30x 0.00156; TOPMed 0.00159.
gnomAD v4.1: 378 of 1,585,850 alleles (0.024%); highest among the groups gnomAD compares: African/African-American, 0.46%; 1 homozygote.

Submissions (14):

ClinGen Malignant Hyperthermia Susceptibility Variant Curation Expert Panel, ClinGen
Classification: Benign for Malignant hyperthermia, susceptibility to, 1. Last evaluated: 2021-03-17. Review status: reviewed by expert panel. Criteria: ClinGen MHS ACMG Specifications V1. Collection method: curation. Allele origin: germline. Inheritance: Autosomal dominant inheritance. Study: ClinGen.
Comment: This pathogenicity assessment is relevant only for malignant hyperthermia susceptibility (MHS) inherited in an autosomal dominant pattern. Variants in RYR1 can also cause other myopathies inherited in an autosomal dominant pattern or in an autosomal recessive pattern. Some of these disorders may predispose individuals to malignant hyperthermia. RYR1 variants may also contribute to a malignant hyperthermia reaction in combination with other genetic and non-genetic factors and the clinician needs to consider such factors in making management decisions. This sequence variant predicts a substitution of Alanine with Threonine at codon 933 of the RYR1 protein, p.(Ala933Thr). The maximum allele frequency for this variant among the six major gnomAD populations is AFR: 0.00388, which is considered to be too common for a pathogenic variant causing autosomal dominantly inherited MHS, BA1. This variant has been classified as Benign. Criteria implemented: BA1.

CeGaT Center for Human Genetics Tuebingen
Classification: Likely benign. Last evaluated: 2026-07-01. Review status: criteria provided, single submitter. Criteria: CeGaT Center For Human Genetics Tuebingen Variant Classification Criteria Version 2. Collection method: clinical testing. Allele origin: germline. Affected: yes. Observed: 2 variant alleles. Not counted in ClinVar's aggregate classification.
Comment: RYR1: PP3, BS1

Labcorp Genetics (formerly Invitae), Labcorp
Classification: Likely benign for RYR1-related disorder. Last evaluated: 2026-01-27. Review status: criteria provided, single submitter. Criteria: Invitae Variant Classification Sherloc (09022015). Collection method: clinical testing. Allele origin: germline. Not counted in ClinVar's aggregate classification.

All of Us Research Program, National Institutes of Health
Classification: Likely benign for Malignant hyperthermia, susceptibility to, 1. Last evaluated: 2024-09-23. Review status: criteria provided, single submitter. Criteria: ACMG Guidelines, 2015. Collection method: clinical testing. Allele origin: germline. Inheritance: Autosomal dominant inheritance. Observed: 101 variant alleles, 101 heterozygotes. Not counted in ClinVar's aggregate classification.
Comment: This study involves interpretation of variants in research participants for the purpose of population health screening. Participant phenotype was not available at the time of variant classification. Additional details can be found in publication PMID: 35346344, PMCID: PMC8962531

Color Diagnostics, LLC DBA Color Health
Classification: Likely benign for Malignant hyperthermia, susceptibility to, 1. Last evaluated: 2022-08-04. Review status: criteria provided, single submitter. Criteria: ACMG Guidelines, 2015. Collection method: clinical testing. Allele origin: germline. Not counted in ClinVar's aggregate classification.

Blueprint Genetics
Classification: Likely benign. Last evaluated: 2021-05-12. Review status: criteria provided, single submitter. Criteria: ACMG Guidelines, 2015. Collection method: clinical testing. Allele origin: germline. Not counted in ClinVar's aggregate classification.

GeneDx
Classification: Likely benign. Last evaluated: 2021-03-17. Review status: criteria provided, single submitter. Criteria: GeneDx Variant Classification Process June 2021. Collection method: clinical testing. Allele origin: germline. Affected: yes. Not counted in ClinVar's aggregate classification.
Comment: This variant is associated with the following publications: (PMID: 24055113, 25637381, 19807743, 23476141, 27663056, 28326467)

Mendelics
Classification: Benign for Malignant hyperthermia, susceptibility to, 1. Last evaluated: 2019-05-28. Review status: criteria provided, single submitter. Criteria: Mendelics Assertion Criteria 2017. Collection method: clinical testing. Allele origin: unknown. Not counted in ClinVar's aggregate classification.

Illumina Laboratory Services, Illumina
Classification: Likely benign for Congenital multicore myopathy with external ophthalmoplegia. Last evaluated: 2018-03-06. Review status: criteria provided, single submitter. Criteria: ICSL Variant Classification Criteria 13 December 2019. Collection method: clinical testing. Allele origin: germline. Not counted in ClinVar's aggregate classification.
Comment: This variant was observed in the ICSL laboratory as part of a predisposition screen in an ostensibly healthy population. It had not been previously curated by ICSL or reported in the Human Gene Mutation Database (HGMD: prior to June 1st, 2018), and was therefore a candidate for classification through an automated scoring system. Utilizing variant allele frequency, disease prevalence and penetrance estimates, and inheritance mode, an automated score was calculated to assess if this variant is too frequent to cause the disease. Based on the score and internal cut-off values, a variant classified as likely benign is not then subjected to further curation. The score for this variant resulted in a classification of likely benign for this disease.

Illumina Laboratory Services, Illumina
Classification: Likely benign for Malignant hyperthermia, susceptibility to, 1. Last evaluated: 2018-03-06. Review status: criteria provided, single submitter. Criteria: ICSL Variant Classification Criteria 13 December 2019. Collection method: clinical testing. Allele origin: germline. Not counted in ClinVar's aggregate classification.
Comment: the same text as in the submission from Illumina Laboratory Services, Illumina above.

PreventionGenetics, part of Exact Sciences
Classification: Likely benign for RYR1-related condition. Last evaluated: 2021-08-25. Review status: no assertion criteria provided. Collection method: clinical testing. Allele origin: germline. Not counted in ClinVar's aggregate classification.
Comment: This variant is classified as likely benign based on ACMG/AMP sequence variant interpretation guidelines (Richards et al. 2015 PMID: 25741868, with internal and published modifications).

CSER _CC_NCGL, University of Washington
Classification: Likely benign for Malignant hyperthermia & exertional rhabdomyolosis. Last evaluated: 2014-06-01. Review status: no assertion criteria provided. Collection method: research. Allele origin: germline. Inheritance: Autosomal dominant inheritance. Study: ESP 6500 variant annotation. Not counted in ClinVar's aggregate classification.
Comment: Variants classified for the Actionable exomic incidental findings in 6503 participants: challenges of variant classification manuscript

Genome Diagnostics Laboratory, Amsterdam University Medical Center
Classification: Uncertain significance. Review status: no assertion criteria provided. Collection method: clinical testing. Allele origin: germline. Affected: yes. Study: VKGL Data-share Consensus. Not counted in ClinVar's aggregate classification.

Joint Genome Diagnostic Labs from Nijmegen and Maastricht, Radboudumc and MUMC+
Classification: Uncertain significance. Review status: no assertion criteria provided. Collection method: clinical testing. Allele origin: germline. Affected: yes. Study: VKGL Data-share Consensus. Not counted in ClinVar's aggregate classification.

NM_000540.3(RYR1):c.2797G>A (p.Ala933Thr)

Gene: RYR1 (ryanodine receptor 1; plus strand). Cytogenetic location: 19q13.2.
Variant type: single nucleotide variant.
Coding change: c.2797G>A on transcript NM_000540.3 (MANE Select); coding-DNA position 2797, G replaced by A.
Protein change: p.Ala933Thr; replaces alanine 933 with threonine.
Molecular consequence: missense variant.
Genome position (GRCh38, 1-based): chr19:38,464,649, G>A. VCF-style: chr19-38464649-G-A. GRCh37 (hg19) VCF-style: chr19-38955289-G-A.
Other names: NM_000540.2(RYR1):c.2797G>A; p.Ala933Thr; c.2797G>A, p.Ala933Thr (NM_001042723.2); short protein forms A933T.
Identifiers: ClinVar variation 161363 (VCV000161363.35), dbSNP rs148623597, ClinGen allele CA024368.
Genomic context (GRCh38, chr19:38,464,649, plus strand): 5'-CAGGGAGCTCTGAGGGGCGTGACCTGTCGCCTCCACTCCCCCACCCCCAGGACTCTGCTG[G>A]CTCTGGGCTGCCACGTGGGCATGGCGGATGAGAAGGCGGAGGACAACCTGAAGAAGACAA-3'
Protein context (NP_000531.2, residues 923-943): MSGETLKTLL[Ala933Thr]LGCHVGMADE